The following is an entry in ClinVar:

ClinVar aggregate classification (germline): Likely benign (1 of 4 stars; one submission).

Allele frequency attached by ClinVar (database versions not stated): gnomAD exomes 0.00001; gnomAD 0.00003; TOPMed 0.00003.
gnomAD v4.1: 9 of 700,734 alleles (0.0013%); highest among the groups gnomAD compares: African/African-American, 0.01%; no homozygotes.

Submission:

CeGaT Center for Human Genetics Tuebingen
Classification: Likely benign. Last evaluated: 2023-02-01. Review status: criteria provided, single submitter. Criteria: CeGaT Center For Human Genetics Tuebingen Variant Classification Criteria Version 2. Collection method: clinical testing. Allele origin: germline. Affected: yes. Observed: 1 variant allele.
Comment: WDR97: BP4, BP7

NM_001316309.2(WDR97):c.3597A>G (p.Ala1199=)

Gene: WDR97 (WD repeat domain 97; plus strand). Cytogenetic location: 8q24.3.
Variant type: single nucleotide variant.
Coding change: c.3597A>G on transcript NM_001316309.2 (MANE Select); coding-DNA position 3597, A replaced by G.
Protein change: p.Ala1199=; no amino-acid change (alanine 1199 retained).
Molecular consequence: synonymous variant.
Genome position (GRCh38, 1-based): chr8:144,114,280, A>G. VCF-style: chr8-144114280-A-G. GRCh37 (hg19) VCF-style: chr8-145169183-A-G.
Identifiers: ClinVar variation 2658975 (VCV002658975.24), dbSNP rs367801100, ClinGen allele CA187629271.